The following is an entry in ClinVar:

NM_001267550.2(TTN):c.50337T>G (p.Gly16779=)

Genes: TTN (titin; minus strand), TTN-AS1 (TTN antisense RNA 1; plus strand). Cytogenetic location: 2q31.2.
Variant type: single nucleotide variant.
Coding change: c.50337T>G on transcript NM_001267550.2 (MANE Select); coding-DNA position 50337, T replaced by G.
Protein change: p.Gly16779=; no amino-acid change (glycine 16779 retained).
Molecular consequence: synonymous variant.
Genome position (GRCh38, 1-based): chr2:178,612,074, A>C on the plus strand (T>G on the coding strand, the complement: TTN is on the minus strand). VCF-style: chr2-178612074-A-C. GRCh37 (hg19) VCF-style: chr2-179476801-A-C.
Other names: c.45414T>G, p.Gly15138= (NM_001256850.1); c.23142T>G, p.Gly7714= (NM_003319.4); c.42633T>G, p.Gly14211= (NM_133378.4); c.23517T>G, p.Gly7839= (NM_133432.3); c.23718T>G, p.Gly7906= (NM_133437.4).
Identifiers: ClinVar variation 514319 (VCV000514319.10), dbSNP rs983630096, ClinGen allele CA60986290.

ClinVar aggregate classification (germline): Likely benign. Review status: criteria provided, multiple submitters, no conflicts (2 of 4 stars). 3 submissions from 3 submitters: Likely benign (3). Last evaluated 2025-11-18.

Conditions:
Cardiovascular phenotype. Identifiers: MedGen CN230736.
Autosomal recessive limb-girdle muscular dystrophy type 2J (LGMDR10). Also called: MUSCULAR DYSTROPHY, LIMB-GIRDLE, AUTOSOMAL RECESSIVE 10; Limb-girdle muscular dystrophy, type 2J. Identifiers: Orphanet 140922, MedGen C1837342, MONDO:0012127, OMIM 608807.
Dilated cardiomyopathy 1G (CMD1G). Identifiers: Orphanet 154, MedGen C1858763, MONDO:0011400, OMIM 604145.

Allele frequency attached by ClinVar (database versions not stated): gnomAD exomes 0.00001; TOPMed 0.00002.
gnomAD v4.1: 5 of 1,611,222 alleles (0.00031%); highest among the groups gnomAD compares: African/African-American, 0.0067%; no homozygotes.

Submissions (3):

Labcorp Genetics (formerly Invitae), Labcorp
Classification: Likely benign for Dilated cardiomyopathy 1G; Autosomal recessive limb-girdle muscular dystrophy type 2J. Last evaluated: 2025-11-18. Review status: criteria provided, single submitter. Criteria: Invitae Variant Classification Sherloc (09022015). Collection method: clinical testing. Allele origin: germline.

Ambry Genetics
Classification: Likely benign for Cardiovascular phenotype. Last evaluated: 2025-02-10. Review status: criteria provided, single submitter. Criteria: Ambry Variant Classification Scheme 2023. Collection method: clinical testing. Allele origin: germline.

GeneDx
Classification: Likely benign. Last evaluated: 2017-12-21. Review status: criteria provided, single submitter. Criteria: GeneDx Variant Classification (06012015). Collection method: clinical testing. Allele origin: germline. Affected: yes.
Comment: This variant is considered likely benign or benign based on one or more of the following criteria: it is a conservative change, it occurs at a poorly conserved position in the protein, it is predicted to be benign by multiple in silico algorithms, and/or has population frequency not consistent with disease.